The following is an entry in ClinVar:

ClinVar aggregate classification (germline): Benign (1 of 4 stars; one submission).

Allele frequency attached by ClinVar (database versions not stated): gnomAD 0.05084 and 0.05154; TOPMed 0.05497; 1000 Genomes Project 30x 0.06262; 1000 Genomes Project 0.06330.
gnomAD v4.1: 7,815 of 152,276 alleles (5.1%); highest among the groups gnomAD compares: East Asian, 11%; 245 homozygotes.

Submission:

GeneDx
Classification: Benign. Last evaluated: 2018-06-14. Review status: criteria provided, single submitter. Criteria: GeneDx Variant Classification (06012015). Collection method: clinical testing. Allele origin: germline. Affected: yes.
Comment: This variant is considered likely benign or benign based on one or more of the following criteria: it is a conservative change, it occurs at a poorly conserved position in the protein, it is predicted to be benign by multiple in silico algorithms, and/or has population frequency not consistent with disease.

NM_018060.4(IARS2):c.1066+191T>G

Gene: IARS2 (isoleucyl-tRNA synthetase 2, mitochondrial; plus strand). Cytogenetic location: 1q41.
Variant type: single nucleotide variant.
Coding change: c.1066+191T>G on transcript NM_018060.4 (MANE Select); 191 bases into the intron after coding-DNA position 1066, T replaced by G.
Molecular consequence: intron variant.
Genome position (GRCh38, 1-based): chr1:220,103,753, T>G. VCF-style: chr1-220103753-T-G. GRCh37 (hg19) VCF-style: chr1-220277095-T-G.
Identifiers: ClinVar variation 680613 (VCV000680613.1), dbSNP rs58256586, ClinGen allele CA15079189.